The following is an entry in ClinVar:

NM_007294.4(BRCA1):c.2506del (p.Glu836fs)

Gene: BRCA1 (BRCA1 DNA repair associated; minus strand). Cytogenetic location: 17q21.31.
Variant type: Deletion.
Coding change: c.2506del on transcript NM_007294.4 (MANE Select); coding-DNA position 2506, one base deleted (G; older notation c.2506delG).
Protein change: p.Glu836fs; shifts the reading frame from glutamic acid 836.
Molecular consequence: frameshift variant. On other transcripts: intron variant (137).
Genome position (GRCh38, 1-based): chr17:43,093,025, C deleted on the plus strand (G on the coding strand, the reverse complement: BRCA1 is on the minus strand). VCF-style (leftmost placement, unchanged base first): chr17-43093024-TC-T. GRCh37 (hg19) VCF-style: chr17-41245041-TC-T.
Other names: c.2305del, p.Glu769fs (NM_001407862.1); c.2383del, p.Glu795fs (NM_001407863.1, NM_001407919.1, NM_001407937.1 and 19 more transcripts); c.2302del, p.Glu768fs (NM_001407874.1, NM_001407875.1); c.2296del, p.Glu766fs (NM_001407879.1, NM_001407881.1, NM_001407882.1 and 13 more transcripts); c.2293del, p.Glu765fs (NM_001407894.1, NM_001407895.1, NM_001407896.1 and 9 more transcripts); c.2242del, p.Glu748fs (NM_001407920.1, NM_001407921.1, NM_001407922.1 and 9 more transcripts); c.2239del, p.Glu747fs (NM_001407930.1, NM_001407931.1, NM_001407932.1 and 2 more transcripts); c.2380del, p.Glu794fs (NM_001407940.1, NM_001407941.1, NM_001407649.1 and 11 more transcripts); and 41 more; short protein forms E789fs, E836fs, E708fs, E724fs, E725fs, E769fs, E795fs, E833fs.
Identifiers: ClinVar variation 136082 (VCV000136082.4), dbSNP rs587780798, ClinGen allele CA001659.

ClinVar aggregate classification (germline): Pathogenic. Review status: reviewed by expert panel (3 of 4 stars). 2 submissions from 2 submitters: Pathogenic (1). 1 of the submissions does not count toward it. Last evaluated 2016-09-08.

Conditions:
Hereditary breast ovarian cancer syndrome. Also called: Hereditary breast and/or ovarian cancer syndrome; Breast and ovarian cancer; Hereditary breast and ovarian cancer syndrome; Hereditary breast and ovarian cancer; Hereditary breast and ovarian cancer syndrome (HBOC); BRCA1- and BRCA2-Associated Hereditary Breast and Ovarian Cancer. Identifiers: Orphanet 145, MedGen C0677776, MeSH D061325, MONDO:0003582. Disease mechanism: loss of function.
Breast-ovarian cancer, familial, susceptibility to, 1 (BROVCA1). Also called: BRCA1 Hereditary Breast and Ovarian Cancer; OVARIAN CANCER, SUSCEPTIBILITY TO. Identifiers: Orphanet 145, MedGen C2676676, MONDO:0011450, OMIM 604370. Disease mechanism: loss of function.

Submissions (2):

Evidence-based Network for the Interpretation of Germline Mutant Alleles (ENIGMA)
Classification: Pathogenic for Breast-ovarian cancer, familial, susceptibility to, 1. Last evaluated: 2016-09-08. Review status: reviewed by expert panel. Criteria: ENIGMA BRCA1/2 Classification Criteria (2015). Collection method: curation. Allele origin: germline.
Comment: Variant allele predicted to encode a truncated non-functional protein.

Labcorp Genetics (formerly Invitae), Labcorp
Classification: Pathogenic for BRCA1 and BRCA2 Hereditary Breast and Ovarian Cancer. Last evaluated: 2014-06-11. Review status: no assertion criteria provided. Collection method: clinical testing. Allele origin: germline. Affected: yes. Not counted in ClinVar's aggregate classification.
Comment: The interpretation for this sequence variant was made by Invitae based on the ACMG guidelines. A more detailed explanation of the interpretation for this specific variant is forthcoming. This ClinVar entry will be updated at that time.